The following is an entry in ClinVar:

NM_001378183.1(PIEZO2):c.1609del (p.Arg537fs)

Gene: PIEZO2 (piezo type mechanosensitive ion channel component 2; minus strand). Cytogenetic location: 18p11.22.
Variant type: Deletion.
Coding change: c.1609del on transcript NM_001378183.1 (MANE Select); coding-DNA position 1609, one base deleted (A; older notation c.1609delA).
Protein change: p.Arg537fs; shifts the reading frame from arginine 537.
Molecular consequence: frameshift variant.
Genome position (GRCh38, 1-based): chr18:10,794,921, T deleted on the plus strand (A on the coding strand, the reverse complement: PIEZO2 is on the minus strand); the first of 2 consecutive T bases (chr18:10,794,921-10,794,922); deleting either gives the same sequence. VCF-style (leftmost placement, unchanged base first): chr18-10794920-CT-C. GRCh37 (hg19) VCF-style: chr18-10794918-CT-C.
Other names: c.1609del, p.Arg537fs (NM_001410871.1, NM_022068.4); short protein forms R537fs.
Identifiers: ClinVar variation 3376651 (VCV003376651.1).

ClinVar aggregate classification (germline): Pathogenic (1 of 4 stars; one submission).

Conditions:
Arthrogryposis, distal, with impaired proprioception and touch (DAIPT). Identifiers: MedGen C4310692, MONDO:0014941, OMIM 617146.

Submission:

Victorian Clinical Genetics Services, Murdoch Childrens Research Institute
Classification: Pathogenic for Arthrogryposis, distal, with impaired proprioception and touch. Last evaluated: 2022-09-02. Review status: criteria provided, single submitter. Criteria: ACMG Guidelines, 2015. Collection method: clinical testing. Allele origin: germline. Inheritance: Autosomal recessive inheritance. Affected: yes.
Comment: Based on the classification scheme VCGS_Germline_v1.3.4, this variant is classified as Pathogenic. Following criteria are met: 0103 - Loss of function and gain of function are known mechanisms of disease in this gene and are associated with arthrogryposis. Loss of function has generally been shown to be caused by NMD variants whereas gain of function has generally been associated with missense variants clustered in the C-terminal (PMID: 30988732). (I) 0108 - This gene is associated with both recessive and dominant disease. NMD variants are associated with recessive disease while missense variants are associated with dominant diseease (PMID: 30988732). The phenotypes have been recently regarded as etiologically related (PMID: 24726473). (I) 0201 - Variant is predicted to cause nonsense-mediated decay (NMD) and loss of protein (premature termination codon is located at least 54 nucleotides upstream of the final exon-exon junction). (SP) 0251 - This variant is heterozygous. (I) 0301 - Variant is absent from gnomAD (both v2 and v3). (SP) 0701 - Other NMD predicted variants comparable to the one identified in this case have very strong previous evidence for pathogenicity (DECIPHER). (SP) 0807 - This variant has no previous evidence of pathogenicity. (I) 0905 - No published segregation evidence has been identified for this variant. (I) 1007 - No published functional evidence has been identified for this variant. (I) 1202 - Heterozygous variant detected in trans with a second pathogenic heterozygous variant (NM_022068.3(PIEZO2):c.1609delA; p.(Arg537Glufs*5)) in a recessive disease. (I) Legend: (SP) - Supporting pathogenic, (I) - Information, (SB) - Supporting benign

Literature cited by the submitters: PubMed 24726473; PubMed 30988732.